The following is an entry in ClinVar:

ClinVar aggregate classification (germline): Uncertain significance (1 of 4 stars; one submission).

Conditions:
GJB6-related disorder. Also called: GJB6-related disorders.

Submission:

PreventionGenetics, part of Exact Sciences
Classification: Uncertain significance for GJB6-related condition. Last evaluated: 2025-07-11. Review status: criteria provided, single submitter. Criteria: ACMG Guidelines, 2015. Collection method: clinical testing. Allele origin: germline.
Comment: The GJB6 c.359A>G variant is predicted to result in the amino acid substitution p.Asp120Gly. To our knowledge, this variant has not been reported in the literature. This variant is reported in 0.0029% of alleles in individuals of Latino descent in gnomAD. At this time, the clinical significance of this variant is uncertain due to the absence of conclusive functional and genetic evidence.

NM_001110219.3(GJB6):c.359A>G (p.Asp120Gly)

Gene: GJB6 (gap junction protein beta 6; minus strand). Cytogenetic location: 13q12.11.
Variant type: single nucleotide variant.
Coding change: c.359A>G on transcript NM_001110219.3 (MANE Select); coding-DNA position 359, A replaced by G.
Protein change: p.Asp120Gly; replaces aspartic acid 120 with glycine.
Molecular consequence: missense variant.
Genome position (GRCh38, 1-based): chr13:20,223,122, T>C on the plus strand (A>G on the coding strand, the complement: GJB6 is on the minus strand). VCF-style: chr13-20223122-T-C. GRCh37 (hg19) VCF-style: chr13-20797261-T-C.
Other names: c.359A>G, p.Asp120Gly (NM_001110220.3, NM_001110221.3, NM_001370090.1 and 3 more transcripts); short protein forms D120G.
Identifiers: ClinVar variation 4981252 (VCV004981252.1).